The following is an entry in ClinVar:

ClinVar aggregate classification (germline): Uncertain significance (1 of 4 stars; one submission).

Conditions:
Amyotrophic lateral sclerosis type 1 (ALS1). Also called: AMYOTROPHIC LATERAL SCLEROSIS 1, FAMILIAL. Identifiers: Orphanet 803, MedGen C1862939, MONDO:0007103, OMIM 105400.
Neuronopathy, distal hereditary motor, type 7B. Also called: NEURONOPATHY, DISTAL HEREDITARY MOTOR, AUTOSOMAL DOMINANT 14; NEURONOPATHY, DISTAL HEREDITARY MOTOR, HARDING TYPE VIIB; NEUROPATHY, DISTAL HEREDITARY MOTOR, HARDING TYPE VIIB; NEUROPATHY, DISTAL HEREDITARY MOTOR, WITH VOCAL CORD PARALYSIS, HARDING TYPE VIIB; HMN VIIB; LOWER MOTOR NEURON DISEASE, DYNACTIN TYPE. Identifiers: Orphanet 139589, MedGen C1843315, MONDO:0011879, OMIM 607641.
Perry syndrome. Also called: PARKINSONISM WITH ALVEOLAR HYPOVENTILATION AND MENTAL DEPRESSION. Identifiers: Orphanet 178509, MedGen C1868594, MONDO:0008201, OMIM 168605.

Submission:

Labcorp Genetics (formerly Invitae), Labcorp
Classification: Uncertain significance for Amyotrophic lateral sclerosis type 1; Neuronopathy, distal hereditary motor, type 7B; Perry syndrome. Last evaluated: 2022-08-15. Review status: criteria provided, single submitter. Criteria: Invitae Variant Classification Sherloc (09022015). Collection method: clinical testing. Allele origin: germline.
Comment: Algorithms developed to predict the effect of missense changes on protein structure and function are either unavailable or do not agree on the potential impact of this missense change (SIFT: "Deleterious"; PolyPhen-2: "Benign"; Align-GVGD: "Class C55"). This variant has not been reported in the literature in individuals affected with DCTN1-related conditions. This variant is not present in population databases (gnomAD no frequency). This sequence change replaces alanine, which is neutral and non-polar, with valine, which is neutral and non-polar, at codon 270 of the DCTN1 protein (p.Ala270Val). Algorithms developed to predict the effect of sequence changes on RNA splicing suggest that this variant may create or strengthen a splice site. In summary, the available evidence is currently insufficient to determine the role of this variant in disease. Therefore, it has been classified as a Variant of Uncertain Significance.

NM_004082.5(DCTN1):c.809C>T (p.Ala270Val)

Gene: DCTN1 (dynactin subunit 1; minus strand). Cytogenetic location: 2p13.1.
Variant type: single nucleotide variant.
Coding change: c.809C>T on transcript NM_004082.5 (MANE Select); coding-DNA position 809, C replaced by T.
Protein change: p.Ala270Val; replaces alanine 270 with valine.
Molecular consequence: missense variant. On other transcripts: non-coding transcript variant (1).
Genome position (GRCh38, 1-based): chr2:74,371,013, G>A on the plus strand (C>T on the coding strand, the complement: DCTN1 is on the minus strand). VCF-style: chr2-74371013-G-A. GRCh37 (hg19) VCF-style: chr2-74598140-G-A.
Other names: c.749C>T, p.Ala250Val (NM_001135040.3); c.407C>T, p.Ala136Val (NM_001135041.3, NM_023019.4); c.698C>T, p.Ala233Val (NM_001190836.2); c.788C>T, p.Ala263Val (NM_001190837.2); c.758C>T, p.Ala253Val (NM_001378991.1); c.740C>T, p.Ala247Val (NM_001378992.1); short protein forms A136V, A233V, A247V, A250V, A253V, A263V, A270V.
Identifiers: ClinVar variation 1948399 (VCV001948399.5), dbSNP rs2529164024, ClinGen allele CA347365979.
Genomic context (GRCh38, chr2:74,371,013, plus strand): 5'-GCCACCCCCTTCATCCAGAGTCAAACCTTTCTCGCCTCCTTGAGGCGCCGCTGCAGGTCG[G>A]CCTGCTGCTCCTGCATTTTGCTCTTCCATTCCTGCACCTGCTCCAGCTGGATTTTGTGTT-3'
Protein context (NP_004073.2, residues 260-280): EWKSKMQEQQ[Ala270Val]DLQRRLKEAR